The following is an entry in ClinVar:

ClinVar aggregate classification (germline): Likely pathogenic (1 of 4 stars; one submission).

Conditions:
Carnitine palmitoyl transferase 1A deficiency. Also called: CPT I DEFICIENCY; CPT DEFICIENCY, HEPATIC, TYPE I; Carnitine palmitoyltransferase type I deficiency; CPT deficiency, hepatic, type IA; Carnitine palmitoyltransferase 1A deficiency. Identifiers: Orphanet 156, MedGen C1829703, MONDO:0009705, OMIM 255120.

Submission:

Natera, Inc.
Classification: Likely pathogenic for Carnitine palmitoyltransferase type I deficiency. Last evaluated: 2025-07-20. Review status: criteria provided, single submitter. Criteria: Natera Variant Classification Schema (03/2026). Collection method: clinical testing. Allele origin: germline.
Comment: The c.1058del variant in CPT1A is a frameshift variant predicted to shift the reading frame beginning at codon 353 and leads to a stop codon 2 codons downstream. This variant is expected to result in nonsense mediated decay, truncation, or a dysfunctional protein product. This variant is rare in the general population with a frequency below the threshold expected for the associated phenotype(s). Given the available evidence, this variant is classified as Likely Pathogenic.

NM_001876.4(CPT1A):c.1058del (p.Leu353fs)

Gene: CPT1A (carnitine palmitoyltransferase 1A; minus strand). Cytogenetic location: 11q13.3.
Variant type: Deletion.
Coding change: c.1058del on transcript NM_001876.4 (MANE Select); coding-DNA position 1058, one base deleted (T; older notation c.1058delT).
Protein change: p.Leu353fs; shifts the reading frame from leucine 353.
Molecular consequence: frameshift variant.
Genome position (GRCh38, 1-based): chr11:68,784,920, A deleted on the plus strand (T on the coding strand, the reverse complement: CPT1A is on the minus strand). VCF-style (leftmost placement, unchanged base first): chr11-68784919-CA-C. GRCh37 (hg19) VCF-style: chr11-68552387-CA-C.
Other names: c.1058del, p.Leu353fs (NM_001031847.3, NM_001440358.1, NM_001440359.1 and 3 more transcripts); c.950del, p.Leu317fs (NM_001440363.1); c.872del, p.Leu291fs (NM_001440365.1); short protein forms L291fs, L317fs, L353fs.
Identifiers: ClinVar variation 4814969 (VCV004814969.1).